The following is an entry in ClinVar:

ClinVar aggregate classification (germline): Uncertain significance (1 of 4 stars; one submission).

Conditions:
Aortic aneurysm, familial thoracic 6 (AAT6). Also called: FAMILIAL THORACIC AORTIC ANEURYSM WITH LIVEDO RETICULARIS AND IRIS FLOCCULI. Identifiers: MedGen C2673186, MONDO:0012730, OMIM 611788.

Submission:

Labcorp Genetics (formerly Invitae), Labcorp
Classification: Uncertain significance for Aortic aneurysm, familial thoracic 6. Last evaluated: 2017-10-26. Review status: criteria provided, single submitter. Criteria: Invitae Variant Classification Sherloc (09022015). Collection method: clinical testing. Allele origin: germline.
Comment: This sequence change replaces isoleucine with asparagine at codon 289 of the ACTA2 protein (p.Ile289Asn). The isoleucine residue is highly conserved and there is a large physicochemical difference between isoleucine and asparagine. This variant is not present in population databases (ExAC no frequency). This variant has not been reported in the literature in individuals with ACTA2-related disease. Algorithms developed to predict the effect of missense changes on protein structure and function (SIFT, PolyPhen-2, Align-GVGD) all suggest that this variant is likely to be disruptive, but these predictions have not been confirmed by published functional studies and their clinical significance is uncertain. In summary, the available evidence is currently insufficient to determine the role of this variant in disease. Therefore, it has been classified as a Variant of Uncertain Significance.

NM_001613.4(ACTA2):c.866T>A (p.Ile289Asn)

Genes: ACTA2-AS1 (ACTA2 antisense RNA 1; plus strand), ACTA2 (actin alpha 2, smooth muscle; minus strand). Cytogenetic location: 10q23.31.
Variant type: single nucleotide variant.
Coding change: c.866T>A on transcript NM_001613.4 (MANE Select); coding-DNA position 866, T replaced by A.
Protein change: p.Ile289Asn; replaces isoleucine 289 with asparagine.
Molecular consequence: missense variant.
Genome position (GRCh38, 1-based): chr10:88,938,185, A>T on the plus strand (T>A on the coding strand, the complement: ACTA2 is on the minus strand). VCF-style: chr10-88938185-A-T. GRCh37 (hg19) VCF-style: chr10-90697942-A-T.
Other names: c.866T>A, p.Ile289Asn (NM_001141945.3, NM_001320855.2, NM_001406462.1 and 2 more transcripts); c.755T>A, p.Ile252Asn (NM_001406466.1); c.737T>A, p.Ile246Asn (NM_001406467.1, NM_001406468.1, NM_001406469.1); c.674T>A, p.Ile225Asn (NM_001406471.1); short protein forms I289N, I225N, I252N, I246N.
Identifiers: ClinVar variation 536916 (VCV000536916.10), dbSNP rs1554840984, ClinGen allele CA377510913.